The following is an entry in ClinVar:

NM_000243.3(MEFV):c.333G>A (p.Gly111=)

Gene: MEFV (MEFV innate immunity regulator, pyrin; minus strand). Cytogenetic location: 16p13.3.
Variant type: single nucleotide variant.
Coding change: c.333G>A on transcript NM_000243.3 (MANE Select); coding-DNA position 333, G replaced by A.
Protein change: p.Gly111=; no amino-acid change (glycine 111 retained).
Molecular consequence: synonymous variant. On other transcripts: intron variant (1).
Genome position (GRCh38, 1-based): chr16:3,254,735, C>T on the plus strand (G>A on the coding strand, the complement: MEFV is on the minus strand). VCF-style: chr16-3254735-C-T. GRCh37 (hg19) VCF-style: chr16-3304735-C-T.
Other names: p.Gly111=; c.277+1576G>A (NM_001198536.2).
Identifiers: ClinVar variation 97517 (VCV000097517.39), dbSNP rs61732425, ClinGen allele CA280588.

ClinVar aggregate classification (germline): Benign/Likely benign. Review status: criteria provided, multiple submitters, no conflicts (2 of 4 stars). 15 submissions from 13 submitters: Benign (5); Likely benign (8). 2 of the submissions do not count toward it. Last evaluated 2026-02-01.

Conditions:
Acute febrile neutrophilic dermatosis (AFND). Also called: Sweet Syndrome; Gomm Button disease. Identifiers: Orphanet 3243, MedGen C0085077, MONDO:0011959, OMIM 608068.
Autoinflammatory syndrome. Identifiers: Orphanet 93665, MedGen C3890737, MONDO:0019751.
Inborn genetic diseases. Identifiers: MedGen C0950123, MeSH D030342.
Familial Mediterranean fever, autosomal dominant. Also called: FMF, AUTOSOMAL DOMINANT; Dominant Familial Mediterranean Fever. Identifiers: Orphanet 342, MedGen C1851347, MONDO:0007601, OMIM 134610.
Familial Mediterranean fever (FMF). Also called: POLYSEROSITIS, FAMILIAL PAROXYSMAL; POLYSEROSITIS, RECURRENT; Periodic peritonitis; Benign paroxysmal peritonitis. Identifiers: Orphanet 342, MedGen C0031069, MONDO:0018088, OMIM 249100. Disease mechanism: gain of function.

Allele frequency attached by ClinVar (database versions not stated): gnomAD exomes 0.00031 and 0.00080; ExAC 0.00081; ESP Exome Variant Server 0.00249; gnomAD 0.00319 and 0.00339; TOPMed 0.00345; 1000 Genomes Project 0.00459; 1000 Genomes Project 30x 0.00484.
gnomAD v4.1: 956 of 1,612,880 alleles (0.059%); highest among the groups gnomAD compares: African/African-American, 1.1%; 5 homozygotes.

Submissions (15):

Labcorp Genetics (formerly Invitae), Labcorp
Classification: Benign for Familial Mediterranean fever. Last evaluated: 2026-02-01. Review status: criteria provided, single submitter. Criteria: Invitae Variant Classification Sherloc (09022015). Collection method: clinical testing. Allele origin: germline.

Mayo Clinic Laboratories, Mayo Clinic
Classification: Likely benign. Last evaluated: 2025-06-24. Review status: criteria provided, single submitter. Criteria: ACMG Guidelines, 2015. Collection method: clinical testing. Allele origin: germline. Observed: 3 variant alleles.

Blueprint Genetics
Classification: Likely benign. Last evaluated: 2024-09-23. Review status: criteria provided, single submitter. Criteria: ACMG Guidelines, 2015. Collection method: clinical testing. Allele origin: germline.

Genome-Nilou Lab
Classification: Likely benign for Familial Mediterranean fever. Last evaluated: 2023-02-08. Review status: criteria provided, single submitter. Criteria: ACMG Guidelines, 2015. Collection method: clinical testing. Allele origin: germline.

Genome-Nilou Lab
Classification: Benign for Familial Mediterranean fever, autosomal dominant. Last evaluated: 2023-02-08. Review status: criteria provided, single submitter. Criteria: ACMG Guidelines, 2015. Collection method: clinical testing. Allele origin: germline.

Genome-Nilou Lab
Classification: Benign for Acute febrile neutrophilic dermatosis. Last evaluated: 2023-02-08. Review status: criteria provided, single submitter. Criteria: ACMG Guidelines, 2015. Collection method: clinical testing. Allele origin: germline.

Ambry Genetics
Classification: Likely benign for Inborn genetic diseases. Last evaluated: 2022-04-01. Review status: criteria provided, single submitter. Criteria: Ambry Variant Classification Scheme 2023. Collection method: clinical testing. Allele origin: germline.

Genome Diagnostics Laboratory, The Hospital for Sick Children
Classification: Likely benign for Autoinflammatory syndrome. Last evaluated: 2020-11-16. Review status: criteria provided, single submitter. Criteria: ACMG Guidelines, 2015. Collection method: clinical testing. Allele origin: germline. Affected: yes.

Women's Health and Genetics/Laboratory Corporation of America, LabCorp
Classification: Likely benign. Last evaluated: 2020-07-10. Review status: criteria provided, single submitter. Criteria: LabCorp Variant Classification Summary - May 2015. Collection method: clinical testing. Allele origin: germline.

ARUP Laboratories, Molecular Genetics and Genomics, ARUP Laboratories
Classification: Likely benign. Last evaluated: 2017-07-26. Review status: criteria provided, single submitter. Criteria: ARUP Molecular Germline Variant Investigation Process. Collection method: clinical testing. Allele origin: germline.
Comment: The MEFV c.333G>A;p.Gly111Gly variant has not been described in the medical literature, but is listed in a gene-specific database in a symptomatic individual (see link). The variant is listed in the ClinVar database (Variation ID: 97517) and the dbSNP variant database (rs61732425) with an allele frequency of up to 0.7373 percent (32/4308 alleles) in the African American population in the Exome Variant Server and up to 1.081 percent in the African population in the Genome Aggregation Consortium (251/23226 alleles, 2 homozygotes). The nucleotide at this position is weakly conserved and computational algorithms (SpliceSiteFinder-like, MaxEntScan, NNSplice, GeneSplicer, Human Splicing Finder) predict this variant does not significantly alter splicing. Considering available information, this variant is classified as likely benign. References: Link to Infevers database

Eurofins Ntd Llc (ga)
Classification: Benign. Last evaluated: 2017-06-29. Review status: criteria provided, single submitter. Criteria: EGL Classification Definitions 2015. Collection method: clinical testing. Allele origin: germline. Observed: 1 variant allele, 1 heterozygote.

GeneDx
Classification: Benign. Last evaluated: 2015-03-03. Review status: criteria provided, single submitter. Criteria: GeneDx Variant Classification Process June 2021. Collection method: clinical testing. Allele origin: germline. Affected: yes.

Breakthrough Genomics
Classification: Likely benign. Review status: criteria provided, single submitter. Criteria: ACMG Guidelines, 2015. Collection method: not provided. Allele origin: germline. Inheritance: Autosomal recessive inheritance. Affected: yes.

Natera, Inc.
Classification: Likely benign for Familial Mediterranean fever. Last evaluated: 2019-12-09. Review status: no assertion criteria provided. Collection method: clinical testing. Allele origin: germline. Not counted in ClinVar's aggregate classification.

Unité médicale des maladies autoinflammatoires, CHRU Montpellier
No classification provided. Condition: Familial Mediterranean fever. Review status: no classification provided. Collection method: not provided. Allele origin: unknown. Not counted in ClinVar's aggregate classification.

Literature cited by the submitters: PubMed 19790133 (cited by Women's Health and Genetics/Laboratory Corporation of America, LabCorp).